The following is an entry in ClinVar:

ClinVar aggregate classification (germline): Uncertain significance. Review status: reviewed by expert panel (3 of 4 stars). 2 submissions from 2 submitters: Uncertain significance (1). 1 of the submissions does not count toward it. Last evaluated 2025-01-15.

Conditions:
Hereditary thrombocytopenia and hematological cancer predisposition syndrome associated with RUNX1. Also called: PLATELET DISORDER, ASPIRIN-LIKE; RUNX1 Familial Platelet Disorder with Associated Myeloid Malignancies; Familial Platelet Disorder with Propensity to Acute Myelogenous Leukemia; Familial thrombocytopenia with propensity to acute myelogenous leukemia. Identifiers: Orphanet 71290, MedGen C1832388, MeSH C563324, MONDO:0100083, OMIM 601399.

Allele frequency attached by ClinVar (database versions not stated): TOPMed below 0.00001.

Submissions (2):

ClinGen Myeloid Malignancy Variant Curation Expert Panel
Classification: Uncertain significance for Hereditary thrombocytopenia and hematological cancer predisposition syndrome associated with RUNX1. Last evaluated: 2025-01-15. Review status: reviewed by expert panel. Criteria: ClinGen MyeloMalig ACMG Specifications v2. Collection method: curation. Allele origin: germline. Inheritance: Autosomal dominant inheritance.
Comment: NM_001754.5(RUNX1):c.*2912A>G is a 3' UTR variant which is completely absent from all population databases with at least 20x coverage for RUNX1 (PM2_supporting). In summary, the clinical significance of this variant is uncertain. ACMG/AMP criteria applied, as specified by the Myeloid Malignancy Variant Curation Expert Panel for RUNX1: PM2_supporting

Illumina Laboratory Services, Illumina
Classification: Uncertain significance for Hereditary thrombocytopenia and hematological cancer predisposition syndrome associated with RUNX1. Last evaluated: 2018-03-30. Review status: criteria provided, single submitter. Criteria: ICSL Variant Classification Criteria 13 December 2019. Collection method: clinical testing. Allele origin: germline. Not counted in ClinVar's aggregate classification.

NM_001754.5(RUNX1):c.*2912A>G

Gene: RUNX1 (RUNX family transcription factor 1; minus strand). Cytogenetic location: 21q22.12.
Variant type: single nucleotide variant.
Coding change: c.*2912A>G on transcript NM_001754.5 (MANE Select); 2912 bases downstream of the stop codon, A replaced by G.
Molecular consequence: 3 prime UTR variant.
Genome position (GRCh38, 1-based): chr21:34,789,223, T>C on the plus strand (A>G on the coding strand, the complement: RUNX1 is on the minus strand). VCF-style: chr21-34789223-T-C. GRCh37 (hg19) VCF-style: chr21-36161520-T-C.
Other names: c.*2912A>G (NM_001001890.3).
Identifiers: ClinVar variation 895756 (VCV000895756.5), dbSNP rs2056405969, ClinGen allele CA1139666831.
Genomic context (GRCh38, chr21:34,789,223, plus strand): 5'-CTGACAAACCATGTTCCTTTATGTGAAGGGGGAAGAACTGGACCTTCTTGTGTTCTGAAA[T>C]TTGGTACTGGGTGGGGGTATGTGCTATCTGCTTAAGAGAACACAGGAAAAGGAGGAGGGA-3'